The following is an entry in ClinVar:

ClinVar aggregate classification (germline): Uncertain significance (1 of 4 stars; one submission).

Submission:

GeneDx
Classification: Uncertain significance. Last evaluated: 2017-12-29. Review status: criteria provided, single submitter. Criteria: GeneDx Variant Classification (06012015). Collection method: clinical testing. Allele origin: germline. Affected: yes.
Comment: The c.92delT variant in the PRPS1 gene has not been reported previously as a pathogenic variant nor as a benign variant, to our knowledge. The c.92delT variant causes a frameshift starting with codon Valine 31, changes this amino acid to a Glycine residue, and creates a premature Stop codon at position 37 of the new reading frame, denoted p.Val31GlyfsX37. This variant is predicted to cause loss of normal protein function either through protein truncation or nonsense-mediated mRNA decay; however, loss-of-function is not a known mechanism of disease for the PRPS1 gene. The c.92delT variant is not observed in large population cohorts (Lek et al., 2016).

NM_002764.4(PRPS1):c.92del (p.Val31fs)

Gene: PRPS1 (phosphoribosyl pyrophosphate synthetase 1; plus strand). Cytogenetic location: Xq22.3.
Variant type: Deletion.
Coding change: c.92del on transcript NM_002764.4 (MANE Select); coding-DNA position 92, one base deleted (T; older notation c.92delT).
Protein change: p.Val31fs; shifts the reading frame from valine 31.
Molecular consequence: frameshift variant. On other transcripts: 5 prime UTR variant (1).
Genome position (GRCh38, 1-based): chrX:107,628,720, T deleted. VCF-style (leftmost placement, unchanged base first): chrX-107628719-GT-G. GRCh37 (hg19) VCF-style: chrX-106871949-GT-G.
Other names: c.92delT (NM_002764.3); c.-113del (NM_001204402.2); short protein forms V31fs.
Identifiers: ClinVar variation 503965 (VCV000503965.2), dbSNP rs1556297591, ClinGen allele CA658799839.